The following is an entry in ClinVar:

ClinVar aggregate classification (germline): Uncertain significance (1 of 4 stars; one submission).

Submission:

Dasa
Classification: Uncertain significance. Last evaluated: 2026-04-28. Review status: criteria provided, single submitter. Criteria: DASA Assertion Criteria. Collection method: clinical testing. Allele origin: germline.
Comment: NM_005148.4(UNC119):c.28G>C (p.Ala10Pro) is a missense variant that results in the substitution of alanine with proline. This variant is rare in population databases. The currently available literature and clinical evidence are not sufficient to establish a definitive association between this variant and the reported condition. Therefore, this variant is classified as a variant of uncertain significance.

NM_005148.4(UNC119):c.28G>C (p.Ala10Pro)

Genes: UNC119 (unc-119 lipid binding chaperone; minus strand), LOC130060555 (ATAC-STARR-seq lymphoblastoid silent region 8343; plus strand). Cytogenetic location: 17q11.2.
Variant type: single nucleotide variant.
Coding change: c.28G>C on transcript NM_005148.4 (MANE Select); coding-DNA position 28, G replaced by C.
Protein change: p.Ala10Pro; replaces alanine 10 with proline.
Molecular consequence: missense variant. On other transcripts: 5 prime UTR variant (1).
Genome position (GRCh38, 1-based): chr17:28,552,530, C>G on the plus strand (G>C on the coding strand, the complement: UNC119 is on the minus strand). VCF-style: chr17-28552530-C-G. GRCh37 (hg19) VCF-style: chr17-26879548-C-G.
Other names: c.-286G>C (NM_001330166.2); c.28G>C, p.Ala10Pro (NM_054035.2); short protein forms A10P.
Identifiers: ClinVar variation 4883442 (VCV004883442.2).